The following is an entry in ClinVar:

NM_000051.4(ATM):c.7772G>A (p.Ser2591Asn)

Genes: ATM (ATM serine/threonine kinase; plus strand), C11orf65 (chromosome 11 open reading frame 65; minus strand). Cytogenetic location: 11q22.3.
Variant type: single nucleotide variant.
Coding change: c.7772G>A on transcript NM_000051.4 (MANE Select); coding-DNA position 7772, G replaced by A.
Protein change: p.Ser2591Asn; replaces serine 2591 with asparagine.
Molecular consequence: missense variant. On other transcripts: intron variant (2).
Genome position (GRCh38, 1-based): chr11:108,332,021, G>A. VCF-style: chr11-108332021-G-A. GRCh37 (hg19) VCF-style: chr11-108202748-G-A.
Other names: p.S2591N:AGC>AAC; c.7772G>A, p.Ser2591Asn (NM_001351834.2); c.641-22950C>T (NM_001330368.2); c.*38+3199C>T (NM_001351110.2); short protein forms S2591N.
Identifiers: ClinVar variation 181892 (VCV000181892.16), dbSNP rs730881319, ClinGen allele CA298059.

ClinVar aggregate classification (germline): Uncertain significance. Review status: criteria provided, multiple submitters, no conflicts (2 of 4 stars). 3 submissions from 3 submitters: Uncertain significance (3). Last evaluated 2024-12-18.

Conditions:
Hereditary cancer-predisposing syndrome. Also called: Hereditary Cancer Syndrome; Tumor predisposition; Neoplastic Syndromes, Hereditary; Hereditary neoplastic syndrome. Identifiers: Orphanet 140162, MedGen C0027672, MeSH D009386, MONDO:0015356.
Ataxia-telangiectasia syndrome (AT). Also called: ATAXIA-TELANGIECTASIA, COMPLEMENTATION GROUP A; ATAXIA-TELANGIECTASIA, FRESNO VARIANT; Ataxia-telangiectasia; Ataxia-telangiectasia, complementation group E; Cerebello-oculocutaneous telangiectasia; Immunodeficiency with ataxia telangiectasia. Identifiers: Orphanet 100, MedGen C0004135, MONDO:0008840, OMIM 208900.

Allele frequency attached by ClinVar (database versions not stated): gnomAD exomes below 0.00001.
gnomAD v4.1: 1 of 1,613,828 alleles (0.000062%); highest among the groups gnomAD compares: Non-Finnish European, 0.000085%; no homozygotes.

Submissions (3):

Labcorp Genetics (formerly Invitae), Labcorp
Classification: Uncertain significance for Ataxia-telangiectasia syndrome. Last evaluated: 2024-12-18. Review status: criteria provided, single submitter. Criteria: Invitae Variant Classification Sherloc (09022015). Collection method: clinical testing. Allele origin: germline.
Comment: This sequence change replaces serine, which is neutral and polar, with asparagine, which is neutral and polar, at codon 2591 of the ATM protein (p.Ser2591Asn). This variant is present in population databases (rs730881319, gnomAD 0.0009%). This variant has not been reported in the literature in individuals affected with ATM-related conditions. ClinVar contains an entry for this variant (Variation ID: 181892). Invitae Evidence Modeling of protein sequence and biophysical properties (such as structural, functional, and spatial information, amino acid conservation, physicochemical variation, residue mobility, and thermodynamic stability) indicates that this missense variant is not expected to disrupt ATM protein function with a negative predictive value of 95%. In summary, the available evidence is currently insufficient to determine the role of this variant in disease. Therefore, it has been classified as a Variant of Uncertain Significance.

GeneDx
Classification: Uncertain significance. Last evaluated: 2023-08-27. Review status: criteria provided, single submitter. Criteria: GeneDx Variant Classification Process June 2021. Collection method: clinical testing. Allele origin: germline. Affected: yes.
Comment: Not observed at significant frequency in large population cohorts (gnomAD); In silico analysis supports that this missense variant does not alter protein structure/function; Has not been previously published as pathogenic or benign to our knowledge

Ambry Genetics
Classification: Uncertain significance for Hereditary cancer-predisposing syndrome. Last evaluated: 2023-04-16. Review status: criteria provided, single submitter. Criteria: Ambry Variant Classification Scheme 2023. Collection method: clinical testing. Allele origin: germline.
Comment: The p.S2591N variant (also known as c.7772G>A), located in coding exon 51 of the ATM gene, results from a G to A substitution at nucleotide position 7772. The serine at codon 2591 is replaced by asparagine, an amino acid with highly similar properties. This amino acid position is not well conserved in available vertebrate species. In addition, this alteration is predicted to be tolerated by in silico analysis. Since supporting evidence is limited at this time, the clinical significance of this alteration remains unclear.